The following is an entry in ClinVar:

NM_001130145.3(YAP1):c.1058C>T (p.Pro353Leu)

Gene: YAP1 (Yes1 associated transcriptional regulator; plus strand). Cytogenetic location: 11q22.1.
Variant type: single nucleotide variant.
Coding change: c.1058C>T on transcript NM_001130145.3 (MANE Select); coding-DNA position 1058, C replaced by T.
Protein change: p.Pro353Leu; replaces proline 353 with leucine.
Molecular consequence: missense variant.
Genome position (GRCh38, 1-based): chr11:102,223,647, C>T. VCF-style: chr11-102223647-C-T. GRCh37 (hg19) VCF-style: chr11-102094378-C-T.
Other names: c.1010C>T, p.Pro337Leu (NM_001195044.2); c.524C>T, p.Pro175Leu (NM_001195045.2); c.944C>T, p.Pro315Leu (NM_001282097.2); c.908C>T, p.Pro303Leu (NM_001282098.2); c.956C>T, p.Pro319Leu (NM_001282099.2); c.1022C>T, p.Pro341Leu (NM_001282100.2); c.1070C>T, p.Pro357Leu (NM_001282101.2); c.896C>T, p.Pro299Leu (NM_006106.5); short protein forms P175L, P299L, P303L, P315L, P319L, P337L, P341L, P353L.
Identifiers: ClinVar variation 3907771 (VCV003907771.1).
Genomic context (GRCh38, chr11:102,223,647, plus strand): 5'-GTAGATTGATTCTCTTTGGCTTTATTTTTAATTAGGAGTTAGCCCTGCGTAGCCAGTTAC[C>T]AACACTGGAGCAGGATGGTGGGACTCAAAATCCAGTGTCTTCTCCCGGGATGTCTCAGGA-3'
Protein context (NP_001123617.1, residues 343-363): CQELALRSQL[Pro353Leu]TLEQDGGTQN

ClinVar aggregate classification (germline): Uncertain significance (1 of 4 stars; one submission).

Submission:

GeneDx
Classification: Uncertain significance. Last evaluated: 2022-04-05. Review status: criteria provided, single submitter. Criteria: GeneDx Variant Classification Process June 2021. Collection method: clinical testing. Allele origin: germline. Affected: yes.
Comment: Not observed at significant frequency in large population cohorts (gnomAD); In silico analysis supports that this missense variant has a deleterious effect on protein structure/function; Has not been previously published as pathogenic or benign to our knowledge; Variants in candidate genes are classified as variants of uncertain significance in accordance with ACMG guidelines (Richards et al., 2015)